The following is an entry in ClinVar:

ClinVar aggregate classification (germline): Likely benign. Review status: criteria provided, multiple submitters, no conflicts (2 of 4 stars). 5 submissions from 5 submitters: Likely benign (5). Last evaluated 2025-03-12.

Conditions:
Hereditary breast ovarian cancer syndrome. Also called: Breast and ovarian cancer; Hereditary breast and/or ovarian cancer syndrome; Hereditary breast and ovarian cancer; Hereditary breast and ovarian cancer syndrome (HBOC); BRCA1- and BRCA2-Associated Hereditary Breast and Ovarian Cancer; Hereditary breast and ovarian cancer syndrome. Identifiers: Orphanet 145, MedGen C0677776, MeSH D061325, MONDO:0003582. Disease mechanism: loss of function.
Hereditary cancer-predisposing syndrome. Also called: Hereditary Cancer Syndrome; Neoplastic Syndromes, Hereditary; Tumor predisposition; Hereditary neoplastic syndrome. Identifiers: Orphanet 140162, MedGen C0027672, MeSH D009386, MONDO:0015356.

Allele frequency attached by ClinVar (database versions not stated): gnomAD exomes below 0.00001; TOPMed below 0.00001; gnomAD 0.00001.
gnomAD v4.1: 4 of 1,613,794 alleles (0.00025%); highest among the groups gnomAD compares: Non-Finnish European, 0.00025%; no homozygotes.

Submissions (5):

Labcorp Genetics (formerly Invitae), Labcorp
Classification: Likely benign for Hereditary breast ovarian cancer syndrome. Last evaluated: 2025-03-12. Review status: criteria provided, single submitter. Criteria: Invitae Variant Classification Sherloc (09022015). Collection method: clinical testing. Allele origin: germline.

Quest Diagnostics Nichols Institute San Juan Capistrano
Classification: Likely benign. Last evaluated: 2021-02-19. Review status: criteria provided, single submitter. Criteria: Quest Diagnostics criteria. Collection method: clinical testing. Allele origin: unknown.

Ambry Genetics
Classification: Likely benign for Hereditary cancer-predisposing syndrome. Last evaluated: 2019-12-11. Review status: criteria provided, single submitter. Criteria: Ambry Variant Classification Scheme 2023. Collection method: clinical testing. Allele origin: germline.

GeneDx
Classification: Likely benign. Last evaluated: 2017-10-27. Review status: criteria provided, single submitter. Criteria: GeneDx Variant Classification (06012015). Collection method: clinical testing. Allele origin: germline. Affected: yes.
Comment: This variant is considered likely benign or benign based on one or more of the following criteria: it is a conservative change, it occurs at a poorly conserved position in the protein, it is predicted to be benign by multiple in silico algorithms, and/or has population frequency not consistent with disease.

Color Diagnostics, LLC DBA Color Health
Classification: Likely benign for Hereditary cancer-predisposing syndrome. Last evaluated: 2017-01-26. Review status: criteria provided, single submitter. Criteria: ACMG Guidelines, 2015. Collection method: clinical testing. Allele origin: germline.

NM_007294.4(BRCA1):c.3054C>T (p.Asn1018=)

Gene: BRCA1 (BRCA1 DNA repair associated; minus strand). Cytogenetic location: 17q21.31.
Variant type: single nucleotide variant.
Coding change: c.3054C>T on transcript NM_007294.4 (MANE Select); coding-DNA position 3054, C replaced by T.
Protein change: p.Asn1018=; no amino-acid change (asparagine 1018 retained).
Molecular consequence: synonymous variant. On other transcripts: intron variant (137).
Genome position (GRCh38, 1-based): chr17:43,092,477, G>A on the plus strand (C>T on the coding strand, the complement: BRCA1 is on the minus strand). VCF-style: chr17-43092477-G-A. GRCh37 (hg19) VCF-style: chr17-41244494-G-A.
Other names: c.2790C>T, p.Asn930= (NM_001407926.1, NM_001407927.1, NM_001407928.1 and 9 more transcripts); c.2787C>T, p.Asn929= (NM_001407930.1, NM_001407931.1, NM_001407932.1 and 2 more transcripts); c.2931C>T, p.Asn977= (NM_001407937.1, NM_001407938.1, NM_001407939.1 and 19 more transcripts); c.2928C>T, p.Asn976= (NM_001407940.1, NM_001407941.1, NM_001407649.1 and 11 more transcripts); c.2913C>T, p.Asn971= (NM_001407942.1, NM_001407944.1, NM_001407945.1 and 29 more transcripts); c.2910C>T, p.Asn970= (NM_001407943.1, NM_001407964.1, NM_001407740.1 and 20 more transcripts); c.2721C>T, p.Asn907= (NM_001407946.1, NM_001407947.1, NM_001407948.1 and 6 more transcripts); c.2718C>T, p.Asn906= (NM_001407954.1, NM_001407955.1, NM_001407956.1 and 1 more transcripts); and 41 more.
Identifiers: ClinVar variation 491057 (VCV000491057.11), dbSNP rs1429701835, ClinGen allele CA500232326.